The following is an entry in ClinVar:

ClinVar aggregate classification (germline): Likely benign. Review status: criteria provided, multiple submitters, no conflicts (2 of 4 stars). 2 submissions from 2 submitters: Likely benign (2). Last evaluated 2026-04-08.

Conditions:
FHOD3-related disorder. Also called: FHOD3-related condition.

gnomAD v4.1: 38 of 1,535,680 alleles (0.0025%); highest among the groups gnomAD compares: East Asian, 0.034%; no homozygotes.

Submissions (2):

PreventionGenetics, part of Exact Sciences
Classification: Likely benign for FHOD3-related condition. Last evaluated: 2026-04-08. Review status: criteria provided, single submitter. Criteria: ACMG Guidelines, 2015. Collection method: clinical testing. Allele origin: germline.
Comment: This variant is classified as likely benign based on ACMG/AMP sequence variant interpretation guidelines (Richards et al. 2015 PMID: 25741868, with internal and published modifications).

Blueprint Genetics
Classification: Likely benign. Last evaluated: 2024-09-17. Review status: criteria provided, single submitter. Criteria: ACMG Guidelines, 2015. Collection method: clinical testing. Allele origin: germline.

NM_001281740.3(FHOD3):c.1230G>A (p.Thr410=)

Gene: FHOD3 (formin homology 2 domain containing 3; plus strand). Cytogenetic location: 18q12.2.
Variant type: single nucleotide variant.
Coding change: c.1230G>A on transcript NM_001281740.3 (MANE Select); coding-DNA position 1230, G replaced by A.
Protein change: p.Thr410=; no amino-acid change (threonine 410 retained).
Molecular consequence: synonymous variant. On other transcripts: intron variant (2).
Genome position (GRCh38, 1-based): chr18:36,649,349, G>A. VCF-style: chr18-36649349-G-A. GRCh37 (hg19) VCF-style: chr18-34229312-G-A.
Other names: c.1230G>A (NM_001281740.2); c.1197-8726G>A (NM_025135.5, NM_001281739.3).
Identifiers: ClinVar variation 4938737 (VCV004938737.2).